The following is an entry in ClinVar:

NM_019842.4(KCNQ5):c.1248-3581G>T

Gene: KCNQ5 (potassium voltage-gated channel subfamily Q member 5; plus strand). Cytogenetic location: 6q13.
Variant type: single nucleotide variant.
Coding change: c.1248-3581G>T on transcript NM_019842.4 (MANE Select); 3581 bases into the intron before coding-DNA position 1248, G replaced by T.
Molecular consequence: intron variant. On other transcripts: missense variant (2).
Genome position (GRCh38, 1-based): chr6:73,129,840, G>T. VCF-style: chr6-73129840-G-T. GRCh37 (hg19) VCF-style: chr6-73839563-G-T.
Other names: c.1295G>T (NM_001160133.1); c.1268G>T, p.Arg423Leu (NM_001160132.2); c.1295G>T, p.Arg432Leu (NM_001160133.2); c.1247+5328G>T (NM_001160134.2); c.1221-3581G>T (NM_001160130.2); short protein forms R423L, R432L.
Identifiers: ClinVar variation 2184435 (VCV002184435.7), dbSNP rs774233700, ClinGen allele CA3886995.
Genomic context (GRCh38, chr6:73,129,840, plus strand): 5'-CCCTCACTCCTAGTAAGTTCTGTAGTAATAAGCAGAAGCTCTTCAGAATGTACACCTCAC[G>T]GAAGCAGAGGTACCCAGCATCCGGGCTATTGACATGAGATTTGAGAATGCCAACTAACCT-3'

ClinVar aggregate classification (germline): Conflicting classifications of pathogenicity. Review status: criteria provided, conflicting classifications (1 of 4 stars). 3 submissions from 3 submitters: Uncertain significance (2); Benign (1). Last evaluated 2025-06-15.

Conditions:
Inborn genetic diseases. Identifiers: MedGen C0950123, MeSH D030342.

Allele frequency attached by ClinVar (database versions not stated): TOPMed 0.00001; ExAC 0.00003.
gnomAD v4.1: 10 of 1,612,292 alleles (0.00062%); highest among the groups gnomAD compares: Non-Finnish European, 0.00076%; no homozygotes.

Submissions (3):

Labcorp Genetics (formerly Invitae), Labcorp
Classification: Benign. Last evaluated: 2025-06-15. Review status: criteria provided, single submitter. Criteria: Invitae Variant Classification Sherloc (09022015). Collection method: clinical testing. Allele origin: germline.

Women's Health and Genetics/Laboratory Corporation of America, LabCorp
Classification: Uncertain significance. Last evaluated: 2024-02-08. Review status: criteria provided, single submitter. Criteria: LabCorp Variant Classification Summary - May 2015. Collection method: clinical testing. Allele origin: germline.
Comment: Variant summary: KCNQ5 c.1295G>T (p.Arg432Leu) results in a non-conservative amino acid change in the encoded protein sequence. Three of five in-silico tools predict a damaging effect of the variant on protein function. The variant allele was found at a frequency of 6.9e-06 in 1454212 control chromosomes (i.e. in 10 carriers) in the gnomAD database v4.0 dataset. To our knowledge, no occurrence of c.1295G>T in individuals affected with Intellectual Disability, Autosomal Dominant 46 and no experimental evidence demonstrating its impact on protein function have been reported. ClinVar contains an entry for this variant (Variation ID: 2184435). Based on the evidence outlined above, the variant was classified as VUS-possibly benign.

Ambry Genetics
Classification: Uncertain significance for Inborn genetic diseases. Last evaluated: 2022-02-03. Review status: criteria provided, single submitter. Criteria: Ambry Variant Classification Scheme 2023. Collection method: clinical testing. Allele origin: germline.